The following is an entry in ClinVar:

ClinVar aggregate classification (germline): Pathogenic/Likely pathogenic. Review status: criteria provided, multiple submitters, no conflicts (2 of 4 stars). 5 submissions from 5 submitters: Pathogenic (4); Likely pathogenic (1). Last evaluated 2026-07-30.

Conditions:
Hereditary cancer-predisposing syndrome. Also called: Neoplastic Syndromes, Hereditary; Hereditary Cancer Syndrome; Tumor predisposition; Hereditary neoplastic syndrome. Identifiers: Orphanet 140162, MedGen C0027672, MeSH D009386, MONDO:0015356.
Cardiovascular phenotype. Identifiers: MedGen CN230736.
Neurofibromatosis, type 1 (NF1). Also called: VON RECKLINGHAUSEN DISEASE; NEUROFIBROMATOSIS, TYPE I, SOMATIC; Peripheral type neurofibromatosis; Neurofibromatosis, type I. Identifiers: Orphanet 636, MedGen C0027831, MONDO:0018975, OMIM 162200. Disease mechanism: loss of function.

Submissions (5):

Ambry Genetics
Classification: Pathogenic for Cardiovascular phenotype; Hereditary cancer-predisposing syndrome. Last evaluated: 2026-07-30. Review status: criteria provided, single submitter. Criteria: Ambry Variant Classification Scheme 2023. Collection method: clinical testing. Allele origin: germline.
Comment: The c.6641+1delG intronic pathogenic mutation, located in intron 43 of the NF1 gene, results from a deletion of one nucleotide within intron 43 of the NF1 gene. This alteration has been reported in an individual with a clinical diagnosis of neurofibromatosis type 1 (Mattocks C et al. J Med Genet, 2004 Apr;41:e48). This variant is considered to be rare based on population cohorts in the Genome Aggregation Database (gnomAD). In silico splice site analysis predicts that this alteration will weaken the native splice donor site and will result in the creation or strengthening of a novel splice donor site. RNA studies have demonstrated that this alteration results in abnormal splicing in the set of samples tested (Ambry internal data). Based on the supporting evidence, this alteration is interpreted as a disease-causing mutation.

GeneDx
Classification: Pathogenic. Last evaluated: 2025-10-31. Review status: criteria provided, single submitter. Criteria: GeneDx Variant Classification Process June 2021. Collection method: clinical testing. Allele origin: germline.
Comment: Canonical splice site variant predicted to result in a null allele in a gene for which loss of function is a known mechanism of disease; Not observed at significant frequency in large population cohorts (gnomAD); This variant is associated with the following publications: (PMID: 35801779, 15060124)

Labcorp Genetics (formerly Invitae), Labcorp
Classification: Pathogenic for Neurofibromatosis, type 1. Last evaluated: 2024-02-27. Review status: criteria provided, single submitter. Criteria: Invitae Variant Classification Sherloc (09022015). Collection method: clinical testing. Allele origin: germline.
Comment: This sequence change affects a splice site in intron 43 of the NF1 gene. It is expected to disrupt RNA splicing. Variants that disrupt the donor or acceptor splice site typically lead to a loss of protein function (PMID: 16199547), and loss-of-function variants in NF1 are known to be pathogenic (PMID: 10712197, 23913538). This variant is not present in population databases (gnomAD no frequency). Disruption of this splice site has been observed in individuals with neurofibromatosis type 1 (PMID: 15060124; Invitae). ClinVar contains an entry for this variant (Variation ID: 651367). Algorithms developed to predict the effect of sequence changes on RNA splicing suggest that this variant may disrupt the consensus splice site. For these reasons, this variant has been classified as Pathogenic.

Genome-Nilou Lab
Classification: Pathogenic for Neurofibromatosis, type 1. Last evaluated: 2022-03-15. Review status: criteria provided, single submitter. Criteria: ACMG Guidelines, 2015. Collection method: clinical testing. Allele origin: germline. Affected: no.

CeGaT Center for Human Genetics Tuebingen
Classification: Likely pathogenic. Last evaluated: 2019-10-01. Review status: criteria provided, single submitter. Criteria: CeGaT Center For Human Genetics Tuebingen Variant Classification Criteria Version 2. Collection method: clinical testing. Allele origin: germline. Affected: yes. Observed: 1 variant allele.

Literature cited by the submitters: PubMed 15060124 (cited by Ambry Genetics and Labcorp Genetics (formerly Invitae), Labcorp); PubMed 16199547 (cited by Labcorp Genetics (formerly Invitae), Labcorp); PubMed 10712197 (cited by Labcorp Genetics (formerly Invitae), Labcorp); PubMed 23913538 (cited by Labcorp Genetics (formerly Invitae), Labcorp).

NM_001042492.3(NF1):c.6704+1del

Gene: NF1 (neurofibromin 1; plus strand). Cytogenetic location: 17q11.2.
Variant type: Deletion.
Coding change: c.6704+1del on transcript NM_001042492.3 (MANE Select); the canonical splice donor site of the intron after coding-DNA position 6704, one base deleted (G; older notation c.6704+1delG).
Molecular consequence: splice donor variant.
Genome position (GRCh38, 1-based): chr17:31,337,881, G deleted; the last of 2 consecutive G bases (chr17:31,337,880-31,337,881); deleting either gives the same sequence. VCF-style (leftmost placement, unchanged base first): chr17-31337879-AG-A. GRCh37 (hg19) VCF-style: chr17-29664897-AG-A.
Other names: c.6641+1delG (NM_000267.3); c.6641+1del (NM_000267.4).
Identifiers: ClinVar variation 651367 (VCV000651367.50), dbSNP rs1597844692, ClinGen allele CA915949953.